The following is an entry in ClinVar:

ClinVar aggregate classification (germline): Uncertain significance (1 of 4 stars; one submission).

Conditions:
Autosomal recessive early-onset Parkinson disease 7. Identifiers: Orphanet 2828, MedGen C1853445, MONDO:0011658, OMIM 606324.

Submission:

Labcorp Genetics (formerly Invitae), Labcorp
Classification: Uncertain significance for Autosomal recessive early-onset Parkinson disease 7. Last evaluated: 2023-08-05. Review status: criteria provided, single submitter. Criteria: Invitae Variant Classification Sherloc (09022015). Collection method: clinical testing. Allele origin: unknown.
Comment: In summary, the available evidence is currently insufficient to determine the role of this variant in disease. Therefore, it has been classified as a Variant of Uncertain Significance. Experimental studies and prediction algorithms are not available or were not evaluated, and the functional significance of this variant is currently unknown. This variant has not been reported in the literature in individuals affected with PARK7-related conditions. This variant results in a copy number gain of the genomic region encompassing exon(s) 6-7 of the PARK7 gene. This region includes the termination codon of the gene. This copy number gain extends beyond the assayed region for this gene and therefore may encompass additional genes. As the precise location of this event is unknown, it may be in tandem or it may be located elsewhere in the genome.

NC_000001.10:g.(?_8037692)_(8045114_?)dup

Gene: PARK7 (Parkinsonism associated deglycase; plus strand). Cytogenetic location: 1p36.23.
Variant type: Duplication.
Identifiers: ClinVar variation 3247753 (VCV003247753.1).